The following is an entry in ClinVar:

NM_006950.3(SYN1):c.1055+12G>A

Gene: SYN1 (synapsin I; minus strand). Cytogenetic location: Xp11.3.
Variant type: single nucleotide variant.
Coding change: c.1055+12G>A on transcript NM_006950.3 (MANE Select); 12 bases into the intron after coding-DNA position 1055, G replaced by A.
Molecular consequence: intron variant.
Genome position (GRCh38, 1-based): chrX:47,576,320, C>T on the plus strand (G>A on the coding strand, the complement: SYN1 is on the minus strand). VCF-style: chrX-47576320-C-T. GRCh37 (hg19) VCF-style: chrX-47435719-C-T.
Other names: c.1055+12G>A (NM_133499.2).
Identifiers: ClinVar variation 139382 (VCV000139382.10), dbSNP rs373071109, ClinGen allele CA293843.

ClinVar aggregate classification (germline): Benign/Likely benign. Review status: criteria provided, multiple submitters, no conflicts (2 of 4 stars). 3 submissions from 3 submitters: Benign (2); Likely benign (1). Last evaluated 2025-06-03.

Conditions:
Epilepsy, X-linked 1, with variable learning disabilities and behavior disorders. Also called: X-linked epilepsy-learning disabilities-behavior disorders syndrome. Identifiers: Orphanet 85294, MedGen C5774177, MONDO:0010339, OMIM 300491.

Allele frequency attached by ClinVar (database versions not stated): gnomAD exomes 0.00011 and 0.00013; TOPMed 0.00015; ESP Exome Variant Server 0.00019; ExAC 0.00020; gnomAD 0.00021 and 0.00022.
gnomAD v4.1: 145 of 1,209,716 alleles (0.012%); highest among the groups gnomAD compares: Non-Finnish European, 0.0097%; no homozygotes.

Submissions (3):

Labcorp Genetics (formerly Invitae), Labcorp
Classification: Benign for Epilepsy, X-linked 1, with variable learning disabilities and behavior disorders. Last evaluated: 2025-06-03. Review status: criteria provided, single submitter. Criteria: Invitae Variant Classification Sherloc (09022015). Collection method: clinical testing. Allele origin: germline.

Blueprint Genetics
Classification: Likely benign. Last evaluated: 2024-03-26. Review status: criteria provided, single submitter. Criteria: ACMG Guidelines, 2015. Collection method: clinical testing. Allele origin: germline.

GeneDx
Classification: Benign. Last evaluated: 2014-04-10. Review status: criteria provided, single submitter. Criteria: GeneDx Variant Classification (06012015). Collection method: clinical testing. Allele origin: germline. Affected: yes.
Comment: This variant is considered likely benign or benign based on one or more of the following criteria: it is a conservative change, it occurs at a poorly conserved position in the protein, it is predicted to be benign by multiple in silico algorithms, and/or has population frequency not consistent with disease.